The following is an entry in ClinVar:

NM_005560.6(LAMA5):c.2412C>T (p.Cys804=)

Gene: LAMA5 (laminin subunit alpha 5; minus strand). Cytogenetic location: 20q13.33.
Variant type: single nucleotide variant.
Coding change: c.2412C>T on transcript NM_005560.6 (MANE Select); coding-DNA position 2412, C replaced by T.
Protein change: p.Cys804=; no amino-acid change (cysteine 804 retained).
Molecular consequence: synonymous variant.
Genome position (GRCh38, 1-based): chr20:62,335,091, G>A on the plus strand (C>T on the coding strand, the complement: LAMA5 is on the minus strand). VCF-style: chr20-62335091-G-A. GRCh37 (hg19) VCF-style: chr20-60910147-G-A.
Identifiers: ClinVar variation 721575 (VCV000721575.11), dbSNP rs140067060, ClinGen allele CA9943447.

ClinVar aggregate classification (germline): Likely benign. Review status: criteria provided, single submitter (1 of 4 stars). 2 submissions from 2 submitters: Likely benign (1). 1 of the submissions does not count toward it. Last evaluated 2025-06-01.

Conditions:
LAMA5-related disorder. Also called: LAMA5-related condition; LAMA5-Related Disorders.

Allele frequency attached by ClinVar (database versions not stated): gnomAD exomes 0.00010 and 0.00022; ExAC 0.00017; 1000 Genomes Project 0.00020; 1000 Genomes Project 30x 0.00031; ESP Exome Variant Server 0.00038; gnomAD 0.00047 and 0.00053; TOPMed 0.00081.

Submissions (2):

Labcorp Genetics (formerly Invitae), Labcorp
Classification: Likely benign. Last evaluated: 2025-06-01. Review status: criteria provided, single submitter. Criteria: Invitae Variant Classification Sherloc (09022015). Collection method: clinical testing. Allele origin: germline.

PreventionGenetics, part of Exact Sciences
Classification: Likely benign for LAMA5-related condition. Last evaluated: 2021-05-19. Review status: no assertion criteria provided. Collection method: clinical testing. Allele origin: germline. Not counted in ClinVar's aggregate classification.
Comment: This variant is classified as likely benign based on ACMG/AMP sequence variant interpretation guidelines (Richards et al. 2015 PMID: 25741868, with internal and published modifications).